The following is an entry in ClinVar:

NM_001005242.3(PKP2):c.1373delinsAAAAA (p.Ile458fs)

Gene: PKP2 (plakophilin 2; minus strand). Cytogenetic location: 12p11.21.
Variant type: Indel.
Coding change: c.1373delinsAAAAA on transcript NM_001005242.3 (MANE Select); coding-DNA position 1373, T replaced by AAAAA.
Protein change: p.Ile458fs; shifts the reading frame from isoleucine 458.
Molecular consequence: frameshift variant.
Genome position (GRCh38, 1-based): chr12:32,850,771, A replaced by TTTTT on the plus strand (T replaced by AAAAA on the coding strand, the reverse complement: PKP2 is on the minus strand). VCF-style: chr12-32850771-A-TTTTT. GRCh37 (hg19) VCF-style: chr12-33003705-A-TTTTT.
Other names: c.1373delinsAAAAA, p.Ile458fs (NM_001407155.1, NM_001407156.1, NM_001407157.1 and 2 more transcripts); c.1046delinsAAAAA, p.Ile349fs (NM_001407158.1, NM_001407159.1, NM_001407160.1 and 1 more transcripts); short protein forms I349fs, I458fs.
Identifiers: ClinVar variation 5026789 (VCV005026789.1).
Genomic context (GRCh38, chr12:32,850,771, plus strand): 5'-GGCATCTGGCTGGGGTGCAAATGTGTTAGGTTCTTCAATGTTCAGTAAGCACTACCTGTT[A>TTTTT]TTTGTTTTTTAGTCTCCAAGTCTCTGGTTTGCTTCAGCACCTGGAGCAGCCGAGGTACCC-3'

ClinVar aggregate classification (germline): Pathogenic (1 of 4 stars; one submission).

Conditions:
Cardiovascular phenotype. Identifiers: MedGen CN230736.

Submission:

Ambry Genetics
Classification: Pathogenic for Cardiovascular phenotype. Last evaluated: 2026-09-09. Review status: criteria provided, single submitter. Criteria: Ambry Variant Classification Scheme 2023. Collection method: clinical testing. Allele origin: germline.
Comment: The c.1373delTinsAAAAA pathogenic mutation, located in coding exon 5 of the PKP2 gene, results from the deletion of one nucleotide and insertion of 5 nucleotides causing a translational frameshift with a predicted alternate stop codon (p.I458Kfs*12). This variant is considered to be rare based on population cohorts in the Genome Aggregation Database (gnomAD). This alteration is expected to result in loss of function by premature protein truncation or nonsense-mediated mRNA decay. As such, this alteration is interpreted as a disease-causing mutation.